The following is an entry in ClinVar:

NM_152419.3(HGSNAT):c.1693G>C (p.Gly565Arg)

Gene: HGSNAT (heparan-alpha-glucosaminide N-acetyltransferase; plus strand). Cytogenetic location: 8p11.21.
Variant type: single nucleotide variant.
Coding change: c.1693G>C on transcript NM_152419.3 (MANE Select); coding-DNA position 1693, G replaced by C.
Protein change: p.Gly565Arg; replaces glycine 565 with arginine.
Molecular consequence: missense variant.
Genome position (GRCh38, 1-based): chr8:43,197,919, G>C. VCF-style: chr8-43197919-G-C. GRCh37 (hg19) VCF-style: chr8-43053062-G-C.
Other names: p.Gly565Arg; c.1780G>C, p.Gly594Arg (NM_001363227.2); c.1501G>C, p.Gly501Arg (NM_001363228.2); c.829G>C, p.Gly277Arg (NM_001363229.2); short protein forms G565R, G277R, G501R, G594R.
Identifiers: ClinVar variation 363152 (VCV000363152.63), dbSNP rs148632988, ClinGen allele CA4736997.
Genomic context (GRCh38, chr8:43,197,919, plus strand): 5'-ACGCTCAGTTCTTTTGCCTTCTTCATCCTGCTGGTCCTGTACCCAGTTGTGGATGTGAAG[G>C]GGCTGTGGACAGGAACCCCATTCTTTTATCCAGGTAAGTCACCTCCAACCTCAAACAGAG-3'
Protein context (NP_689632.2, residues 555-575): LVLYPVVDVK[Gly565Arg]LWTGTPFFYP

ClinVar aggregate classification (germline): Benign/Likely benign. Review status: criteria provided, multiple submitters, no conflicts (2 of 4 stars). 11 submissions from 11 submitters: Benign (2); Likely benign (6). 3 of the submissions do not count toward it. Last evaluated 2026-08-01.

Conditions:
Mucopolysaccharidosis, MPS-III-C (MPS3C). Also called: MUCOPOLYSACCHARIDOSIS, TYPE IIIC; MPS III C; mucopolysaccharidosis type 3C; Mucopolysaccharidosis type IIIC (Sanfilippo C); MPS IIIC (Sanfilippo Syndrome Type C); SANFILIPPO SYNDROME C. Identifiers: Orphanet 581, Orphanet 79271, MedGen C0086649, MONDO:0009657, OMIM 252930.
Retinitis pigmentosa 73 (RP73). Identifiers: Orphanet 791, MedGen C4225287, MONDO:0014687, OMIM 616544.

Allele frequency attached by ClinVar (database versions not stated): 1000 Genomes Project 30x 0.00406; 1000 Genomes Project 0.00419; TOPMed 0.00619; gnomAD 0.00633 and 0.00638; ExAC 0.00661; gnomAD exomes 0.00666 and 0.01120; ESP Exome Variant Server 0.00772.
gnomAD v4.1: 17,203 of 1,613,782 alleles (1.1%); highest among the groups gnomAD compares: Non-Finnish European, 1.3%; 99 homozygotes.

Submissions (11):

CeGaT Center for Human Genetics Tuebingen
Classification: Benign. Last evaluated: 2026-08-01. Review status: criteria provided, single submitter. Criteria: CeGaT Center For Human Genetics Tuebingen Variant Classification Criteria Version 2. Collection method: clinical testing. Allele origin: germline. Affected: yes. Observed: 11 variant alleles.
Comment: HGSNAT: BP4, BS1, BS2

Labcorp Genetics (formerly Invitae), Labcorp
Classification: Benign for Retinitis pigmentosa 73; Mucopolysaccharidosis, MPS-III-C. Last evaluated: 2026-02-03. Review status: criteria provided, single submitter. Criteria: Invitae Variant Classification Sherloc (09022015). Collection method: clinical testing. Allele origin: germline.

Mayo Clinic Laboratories, Mayo Clinic
Classification: Likely benign. Last evaluated: 2025-08-25. Review status: criteria provided, single submitter. Criteria: ACMG Guidelines, 2015. Collection method: clinical testing. Allele origin: germline. Observed: 10 variant alleles.
Comment: BS1, BS2, BP4

Fulgent Genetics
Classification: Likely benign for Mucopolysaccharidosis, MPS-III-C; Retinitis pigmentosa 73. Last evaluated: 2022-03-28. Review status: criteria provided, single submitter. Criteria: ACMG Guidelines, 2015. Collection method: clinical testing. Allele origin: unknown.

Genome-Nilou Lab
Classification: Likely benign for Mucopolysaccharidosis, MPS-III-C. Last evaluated: 2021-05-18. Review status: criteria provided, single submitter. Criteria: ACMG Guidelines, 2015. Collection method: clinical testing. Allele origin: germline. Affected: no.

Illumina Laboratory Services, Illumina
Classification: Likely benign for Mucopolysaccharidosis, MPS-III-C. Last evaluated: 2018-01-13. Review status: criteria provided, single submitter. Criteria: ICSL Variant Classification Criteria 13 December 2019. Collection method: clinical testing. Allele origin: germline.
Comment: This variant was observed in the ICSL laboratory as part of a predisposition screen in an ostensibly healthy population. It had not been previously curated by ICSL or reported in the Human Gene Mutation Database (HGMD: prior to June 1st, 2018), and was therefore a candidate for classification through an automated scoring system. Utilizing variant allele frequency, disease prevalence and penetrance estimates, and inheritance mode, an automated score was calculated to assess if this variant is too frequent to cause the disease. Based on the score and internal cut-off values, a variant classified as likely benign is not then subjected to further curation. The score for this variant resulted in a classification of likely benign for this disease.

GeneDx
Classification: Likely benign. Last evaluated: 2015-09-01. Review status: criteria provided, single submitter. Criteria: GeneDx Variant Classification (06012015). Collection method: clinical testing. Allele origin: germline. Affected: yes.
Comment: This variant is considered likely benign or benign based on one or more of the following criteria: it is a conservative change, it occurs at a poorly conserved position in the protein, it is predicted to be benign by multiple in silico algorithms, and/or has population frequency not consistent with disease.

Breakthrough Genomics
Classification: Likely benign. Review status: criteria provided, single submitter. Criteria: ACMG Guidelines, 2015. Collection method: not provided. Allele origin: germline. Inheritance: Autosomal recessive inheritance. Affected: yes.

Natera, Inc.
Classification: Benign for Mucopolysaccharidosis type IIIC. Last evaluated: 2019-11-11. Review status: no assertion criteria provided. Collection method: clinical testing. Allele origin: germline. Not counted in ClinVar's aggregate classification.

Clinical Genetics, Academic Medical Center
Classification: Likely benign. Review status: no assertion criteria provided. Collection method: clinical testing. Allele origin: germline. Affected: yes. Study: VKGL Data-share Consensus. Not counted in ClinVar's aggregate classification.

Laboratory of Diagnostic Genome Analysis, Leiden University Medical Center (LUMC)
Classification: Likely benign. Review status: no assertion criteria provided. Collection method: clinical testing. Allele origin: germline. Affected: yes. Study: VKGL Data-share Consensus. Not counted in ClinVar's aggregate classification.